The following is an entry in ClinVar:

ClinVar aggregate classification (germline): Uncertain significance (1 of 4 stars; one submission).

Submission:

GeneDx
Classification: Uncertain significance. Last evaluated: 2025-01-09. Review status: criteria provided, single submitter. Criteria: GeneDx Variant Classification Process June 2021. Collection method: clinical testing. Allele origin: germline. Affected: yes.
Comment: Not observed at significant frequency in large population cohorts (gnomAD); In silico analysis supports that this missense variant has a deleterious effect on protein structure/function; Has not been previously published as pathogenic or benign to our knowledge

NM_000142.5(FGFR3):c.2086C>T (p.Pro696Ser)

Gene: FGFR3 (fibroblast growth factor receptor 3; plus strand). Cytogenetic location: 4p16.3.
Variant type: single nucleotide variant.
Coding change: c.2086C>T on transcript NM_000142.5 (MANE Select); coding-DNA position 2086, C replaced by T.
Protein change: p.Pro696Ser; replaces proline 696 with serine.
Molecular consequence: missense variant. On other transcripts: non-coding transcript variant (1).
Genome position (GRCh38, 1-based): chr4:1,806,601, C>T. VCF-style: chr4-1806601-C-T. GRCh37 (hg19) VCF-style: chr4-1808328-C-T.
Other names: c.2092C>T, p.Pro698Ser (NM_001163213.2); c.2089C>T, p.Pro697Ser (NM_001354809.2); c.2018C>T, p.Pro673Leu (NM_001354810.2); c.1750C>T, p.Pro584Ser (NM_022965.4); short protein forms P584S, P673L, P696S, P697S, P698S.
Identifiers: ClinVar variation 4056879 (VCV004056879.1).